The following is an entry in ClinVar:

ClinVar aggregate classification (germline): Uncertain significance (1 of 4 stars; one submission).

Allele frequency attached by ClinVar (database versions not stated): gnomAD exomes below 0.00001.

Submission:

Ambry Genetics
Classification: Uncertain significance. Last evaluated: 2023-10-25. Review status: criteria provided, single submitter. Criteria: Ambry Variant Classification Scheme 2023. Collection method: clinical testing. Allele origin: germline.
Comment: The p.E119* variant (also known as c.355G>T), located in coding exon 1 of the GALNT12 gene, results from a G to T substitution at nucleotide position 355. This changes the amino acid from a glutamic acid to a stop codon within coding exon 1. This alteration is expected to result in premature protein truncation or nonsense-mediated mRNA decay. However, the gene-disease association for GALNT12 is limited. Since supporting evidence is limited at this time, the clinical significance of this alteration remains unclear.

NM_024642.5(GALNT12):c.355G>T (p.Glu119Ter)

Gene: GALNT12 (polypeptide N-acetylgalactosaminyltransferase 12; plus strand). Cytogenetic location: 9q22.33.
Variant type: single nucleotide variant.
Coding change: c.355G>T on transcript NM_024642.5 (MANE Select); coding-DNA position 355, G replaced by T.
Protein change: p.Glu119Ter; replaces glutamic acid 119 with a stop codon.
Molecular consequence: nonsense.
Genome position (GRCh38, 1-based): chr9:98,808,053, G>T. VCF-style: chr9-98808053-G-T. GRCh37 (hg19) VCF-style: chr9-101570335-G-T.
Other names: short protein forms E119*.
Identifiers: ClinVar variation 1732693 (VCV001732693.2), dbSNP rs1368031423, ClinGen allele CA374223123.